The following is an entry in ClinVar:

ClinVar aggregate classification (germline): Uncertain significance (1 of 4 stars; one submission).

Conditions:
Bethlem myopathy 1A. Also called: MYOPATHY, BENIGN CONGENITAL, WITH CONTRACTURES; Bethlem myopathy 1; Bethlem Muscular Dystrophy. Identifiers: Orphanet 610, MedGen CN029274, MONDO:0024530, OMIM 158810.

Submission:

Labcorp Genetics (formerly Invitae), Labcorp
Classification: Uncertain significance for Bethlem myopathy 1A. Last evaluated: 2022-03-16. Review status: criteria provided, single submitter. Criteria: Invitae Variant Classification Sherloc (09022015). Collection method: clinical testing. Allele origin: germline.
Comment: In summary, the available evidence is currently insufficient to determine the role of this variant in disease. Therefore, it has been classified as a Variant of Uncertain Significance. This sequence change replaces valine, which is neutral and non-polar, with methionine, which is neutral and non-polar, at codon 493 of the COL6A3 protein (p.Val493Met). Information on the frequency of this variant in the gnomAD database is not available, as this variant may be reported differently in the database. This variant has not been reported in the literature in individuals affected with COL6A3-related conditions. Experimental studies and prediction algorithms are not available or were not evaluated, and the functional significance of this variant is currently unknown.

NM_004369.4(COL6A3):c.1476_1477inv (p.Val493Met)

Gene: COL6A3 (collagen type VI alpha 3 chain; minus strand). Cytogenetic location: 2q37.3.
Variant type: Inversion.
Coding change: c.1476_1477inv on transcript NM_004369.4 (MANE Select).
Protein change: p.Val493Met; replaces valine 493 with methionine.
Molecular consequence: missense variant.
Genome position: GRCh38 VCF-style: chr2-237381335-CA-TG. GRCh37 (hg19) VCF-style: chr2-238289978-CA-TG.
Other names: c.255_256inv, p.Val86Met (NM_057164.5, NM_057166.5); c.858_859inv, p.Val287Met (NM_057165.5, NM_057167.4); short protein forms V493M, V86M, V287M.
Identifiers: ClinVar variation 1975192 (VCV001975192.5), ClinGen allele CA2580066115.